The following is an entry in ClinVar:

NM_000532.5(PCCB):c.966T>C (p.Ser322=)

Gene: PCCB (propionyl-CoA carboxylase subunit beta; plus strand). Cytogenetic location: 3q22.3.
Variant type: single nucleotide variant.
Coding change: c.966T>C on transcript NM_000532.5 (MANE Select); coding-DNA position 966, T replaced by C.
Protein change: p.Ser322=; no amino-acid change (serine 322 retained).
Molecular consequence: synonymous variant.
Genome position (GRCh38, 1-based): chr3:136,301,111, T>C. VCF-style: chr3-136301111-T-C. GRCh37 (hg19) VCF-style: chr3-136019953-T-C.
Other names: c.1026T>C, p.Ser342= (NM_001178014.2).
Identifiers: ClinVar variation 1360858 (VCV001360858.3), dbSNP rs1269805994, ClinGen allele CA435840182.

ClinVar aggregate classification (germline): Uncertain significance (1 of 4 stars; one submission).

Conditions:
Propionic acidemia (PROP). Also called: HYPERGLYCINEMIA WITH KETOACIDOSIS AND LEUKOPENIA; KETOTIC HYPERGLYCINEMIA; GLYCINEMIA, KETOTIC. Identifiers: Orphanet 35, MedGen C0268579, MONDO:0011628, OMIM 606054, HP:0003571.

Allele frequency attached by ClinVar (database versions not stated): TOPMed below 0.00001; gnomAD exomes 0.00001 and 0.00002.
gnomAD v4.1: 29 of 1,610,152 alleles (0.0018%); highest among the groups gnomAD compares: Non-Finnish European, 0.0024%; no homozygotes.

Submission:

Labcorp Genetics (formerly Invitae), Labcorp
Classification: Uncertain significance for Propionic acidemia. Last evaluated: 2021-08-03. Review status: criteria provided, single submitter. Criteria: Invitae Variant Classification Sherloc (09022015). Collection method: clinical testing. Allele origin: germline.
Comment: This sequence change affects codon 322 of the PCCB mRNA. It is a 'silent' change, meaning that it does not change the encoded amino acid sequence of the PCCB protein. It affects a nucleotide within the consensus splice site of the intron. This variant is not present in population databases (ExAC no frequency). This variant has not been reported in the literature in individuals affected with PCCB-related conditions. Algorithms developed to predict the effect of sequence changes on RNA splicing suggest that this variant is not likely to affect RNA splicing. In summary, the available evidence is currently insufficient to determine the role of this variant in disease. Therefore, it has been classified as a Variant of Uncertain Significance.